The following is an entry in ClinVar:

NM_014920.5(CILK1):c.1789T>A (p.Phe597Ile)

Gene: CILK1 (ciliogenesis associated kinase 1; minus strand). Cytogenetic location: 6p12.1.
Variant type: single nucleotide variant.
Coding change: c.1789T>A on transcript NM_014920.5 (MANE Select); coding-DNA position 1789, T replaced by A.
Protein change: p.Phe597Ile; replaces phenylalanine 597 with isoleucine.
Molecular consequence: missense variant. On other transcripts: non-coding transcript variant (1).
Genome position (GRCh38, 1-based): chr6:53,005,259, A>T on the plus strand (T>A on the coding strand, the complement: CILK1 is on the minus strand). VCF-style: chr6-53005259-A-T. GRCh37 (hg19) VCF-style: chr6-52870057-A-T.
Other names: c.1810T>A, p.Phe604Ile (NM_001375397.1); c.1789T>A, p.Phe597Ile (NM_001375398.1, NM_001375399.1, NM_001375400.1 and 3 more transcripts); short protein forms F597I, F604I.
Identifiers: ClinVar variation 3069115 (VCV003069115.2), dbSNP rs2533220900, ClinGen allele CA364465553.

ClinVar aggregate classification (germline): Uncertain significance (1 of 4 stars; one submission).

Submission:

Women's Health and Genetics/Laboratory Corporation of America, LabCorp
Classification: Uncertain significance. Last evaluated: 2024-02-09. Review status: criteria provided, single submitter. Criteria: LabCorp Variant Classification Summary - May 2015. Collection method: clinical testing. Allele origin: germline.
Comment: Variant summary: CILK1 c.1789T>A (p.Phe597Ile) results in a non-conservative amino acid change in the encoded protein sequence. Four of five in-silico tools predict a benign effect of the variant on protein function. The variant was absent in 251414 control chromosomes (gnomAD). The available data on variant occurrences in the general population are insufficient to allow any conclusion about variant significance. To our knowledge, no occurrence of c.1789T>A in individuals affected with CILK1-Related Disorders and no experimental evidence demonstrating its impact on protein function have been reported. No submitters have cited clinical-significance assessments for this variant to ClinVar. Based on the evidence outlined above, the variant was classified as uncertain significance.